The following is an entry in ClinVar:

ClinVar aggregate classification (germline): Likely benign. Review status: criteria provided, multiple submitters, no conflicts (2 of 4 stars). 2 submissions from 2 submitters: Likely benign (2). Last evaluated 2024-11-21.

Submissions (2):

Blueprint Genetics
Classification: Likely benign. Last evaluated: 2024-11-21. Review status: criteria provided, single submitter. Criteria: ACMG Guidelines, 2015. Collection method: clinical testing. Allele origin: germline.

CeGaT Center for Human Genetics Tuebingen
Classification: Likely benign. Last evaluated: 2022-11-01. Review status: criteria provided, single submitter. Criteria: CeGaT Center For Human Genetics Tuebingen Variant Classification Criteria Version 2. Collection method: clinical testing. Allele origin: germline. Affected: yes. Observed: 2 variant alleles.
Comment: TCF7L2: BP4, BP7

NM_001367943.1(TCF7L2):c.1542G>C (p.Pro514=)

Gene: TCF7L2 (transcription factor 7 like 2; plus strand). Cytogenetic location: 10q25.3.
Variant type: single nucleotide variant.
Coding change: c.1542G>C on transcript NM_001367943.1 (MANE Select); coding-DNA position 1542, G replaced by C.
Protein change: p.Pro514=; no amino-acid change (proline 514 retained).
Molecular consequence: synonymous variant. On other transcripts: 3 prime UTR variant (12).
Genome position (GRCh38, 1-based): chr10:113,165,654, G>C. VCF-style: chr10-113165654-G-C. GRCh37 (hg19) VCF-style: chr10-114925413-G-C.
Other names: c.1491G>C, p.Pro497= (NM_001146274.2); c.*20G>C (NM_001146283.2, NM_001146284.2, NM_001146286.2 and 4 more transcripts); c.1422G>C, p.Pro474= (NM_001146285.2, NM_001198526.2); c.*130G>C (NM_001198525.2); c.*118G>C (NM_001198527.2, NM_001198528.2, NM_001349870.2 and 1 more transcripts); c.1473G>C, p.Pro491= (NM_030756.5).
Identifiers: ClinVar variation 2640843 (VCV002640843.25), dbSNP rs771614599, ClinGen allele CA471508452.
Genomic context (GRCh38, chr10:113,165,654, plus strand): 5'-CAGCTGCCTCAGCCCACCCTCTTCAGATGGAAGCTTACTAGATTCGCCTCCCCCCTCCCC[G>C]AACCTGCTAGGCTCCCCTCCCCGAGACGCCAAGTCACAGACTGAGCAGACCCAGCCTCTG-3'
Protein context (NP_001354872.1, residues 504-524): GSLLDSPPPS[Pro514=]NLLGSPPRDA